The following is an entry in ClinVar:

ClinVar aggregate classification (germline): Uncertain significance (1 of 4 stars; one submission).

Conditions:
X-linked agammaglobulinemia with growth hormone deficiency (IGHD3). Also called: Isolated growth hormone deficiency type 3; Growth hormone deficiency with hypogammaglobulinemia; ISOLATED GROWTH HORMONE DEFICIENCY, TYPE III, WITH AGAMMAGLOBULINEMIA; AGAMMAGLOBULINEMIA AND ISOLATED GROWTH HORMONE DEFICIENCY, X-LINKED; FLEISHER SYNDROME; HYPOGAMMAGLOBULINEMIA AND ISOLATED GROWTH HORMONE DEFICIENCY, X-LINKED. Identifiers: Orphanet 231692, Orphanet 631, MedGen C0472813, MONDO:0010615, OMIM 307200.

Submission:

Labcorp Genetics (formerly Invitae), Labcorp
Classification: Uncertain significance for X-linked agammaglobulinemia with growth hormone deficiency. Last evaluated: 2023-08-14. Review status: criteria provided, single submitter. Criteria: Invitae Variant Classification Sherloc (09022015). Collection method: clinical testing. Allele origin: germline.
Comment: In summary, the available evidence is currently insufficient to determine the role of this variant in disease. Therefore, it has been classified as a Variant of Uncertain Significance. This sequence change replaces threonine, which is neutral and polar, with proline, which is neutral and non-polar, at codon 403 of the BTK protein (p.Thr403Pro). This variant is not present in population databases (gnomAD no frequency). This variant has not been reported in the literature in individuals affected with BTK-related conditions. Advanced modeling of protein sequence and biophysical properties (such as structural, functional, and spatial information, amino acid conservation, physicochemical variation, residue mobility, and thermodynamic stability) performed at Invitae indicates that this missense variant is expected to disrupt BTK protein function.

NM_000061.3(BTK):c.1207A>C (p.Thr403Pro)

Gene: BTK (Bruton tyrosine kinase; minus strand). Cytogenetic location: Xq22.1.
Variant type: single nucleotide variant.
Coding change: c.1207A>C on transcript NM_000061.3 (MANE Select); coding-DNA position 1207, A replaced by C.
Protein change: p.Thr403Pro; replaces threonine 403 with proline.
Molecular consequence: missense variant. On other transcripts: intron variant (1).
Genome position (GRCh38, 1-based): chrX:101,356,926, T>G on the plus strand (A>C on the coding strand, the complement: BTK is on the minus strand). VCF-style: chrX-101356926-T-G. GRCh37 (hg19) VCF-style: chrX-100611914-T-G.
Other names: c.1309A>C, p.Thr437Pro (NM_001287344.2); c.1038+1448A>C (NM_001287345.2); short protein forms T437P, T403P.
Identifiers: ClinVar variation 2750732 (VCV002750732.3), dbSNP rs2520559692, ClinGen allele CA413925527.